The following is an entry in ClinVar:

ClinVar aggregate classification (germline): Uncertain significance (1 of 4 stars; one submission).

Conditions:
Familial adenomatous polyposis 1 (FAP1). Also called: FAMILIAL ADENOMATOUS POLYPOSIS 1, ATTENUATED; POLYPOSIS, ADENOMATOUS INTESTINAL. Identifiers: MedGen C2713442, MONDO:0021056, OMIM 175100. Disease mechanism: loss of function.

Submission:

Labcorp Genetics (formerly Invitae), Labcorp
Classification: Uncertain significance for Familial adenomatous polyposis 1. Last evaluated: 2025-11-02. Review status: criteria provided, single submitter. Criteria: Invitae Variant Classification Sherloc (09022015). Collection method: clinical testing. Allele origin: germline.
Comment: This sequence change replaces alanine, which is neutral and non-polar, with glycine, which is neutral and non-polar, at codon 1485 of the APC protein (p.Ala1485Gly). This variant is not present in population databases (gnomAD no frequency). This variant has not been reported in the literature in individuals affected with APC-related conditions. ClinVar contains an entry for this variant (Variation ID: 2892490). Invitae Evidence Modeling of protein sequence and biophysical properties (such as structural, functional, and spatial information, amino acid conservation, physicochemical variation, residue mobility, and thermodynamic stability) indicates that this missense variant is not expected to disrupt APC protein function with a negative predictive value of 95%. In summary, the available evidence is currently insufficient to determine the role of this variant in disease. Therefore, it has been classified as a Variant of Uncertain Significance.

NM_000038.6(APC):c.4454C>G (p.Ala1485Gly)

Gene: APC (APC regulator of Wnt signaling pathway; plus strand). Cytogenetic location: 5q22.2.
Variant type: single nucleotide variant.
Coding change: c.4454C>G on transcript NM_000038.6 (MANE Select); coding-DNA position 4454, C replaced by G.
Protein change: p.Ala1485Gly; replaces alanine 1485 with glycine.
Molecular consequence: missense variant. On other transcripts: non-coding transcript variant (2).
Genome position (GRCh38, 1-based): chr5:112,840,048, C>G. VCF-style: chr5-112840048-C-G. GRCh37 (hg19) VCF-style: chr5-112175745-C-G.
Other names: c.4454C>G, p.Ala1485Gly (NM_001127510.3, NM_001354895.2, NM_001407450.1); c.4400C>G, p.Ala1467Gly (NM_001127511.3); c.4508C>G, p.Ala1503Gly (NM_001354896.2, NM_001407447.1, NM_001407448.1 and 1 more transcripts); c.4484C>G, p.Ala1495Gly (NM_001354897.2); c.4379C>G, p.Ala1460Gly (NM_001354898.2); c.4370C>G, p.Ala1457Gly (NM_001354899.2); c.4331C>G, p.Ala1444Gly (NM_001354900.2); c.4277C>G, p.Ala1426Gly (NM_001354901.2, NM_001407453.1); and 11 more; short protein forms A1101G, A1325G, A1359G, A1485G, A1202G, A1426G, A1460G, A1467G.
Identifiers: ClinVar variation 2892490 (VCV002892490.3), dbSNP rs2149915118, ClinGen allele CA16031081.